The following is an entry in ClinVar:

NM_001242896.3(DEPDC5):c.3563+1G>A

Gene: DEPDC5 (DEP domain containing 5, GATOR1 subcomplex subunit; plus strand). Cytogenetic location: 22q12.3.
Variant type: single nucleotide variant.
Coding change: c.3563+1G>A on transcript NM_001242896.3 (MANE Select); the canonical splice donor site of the intron after coding-DNA position 3563, G replaced by A.
Molecular consequence: splice donor variant.
Genome position (GRCh38, 1-based): chr22:31,873,333, G>A. VCF-style: chr22-31873333-G-A. GRCh37 (hg19) VCF-style: chr22-32269319-G-A.
Other names: c.3536+1G>A (NM_001136029.4); c.3470+1G>A (NM_014662.6, NM_001369903.1); c.3497+1G>A (NM_001363852.2, NM_001364320.2); c.3329+1G>A (NM_001363854.2, NM_001364319.2); c.3263+1G>A (NM_001242897.2); c.3479+1G>A (NM_001369902.1, NM_001369901.1); c.3563+1G>A (NM_001364318.2).
Identifiers: ClinVar variation 534788 (VCV000534788.9), dbSNP rs1261611694, ClinGen allele CA411277515.

ClinVar aggregate classification (germline): Conflicting classifications of pathogenicity. Review status: criteria provided, conflicting classifications (1 of 4 stars). 2 submissions from 2 submitters: Likely pathogenic (1); Uncertain significance (1). Last evaluated 2024-08-06.

Conditions:
Familial focal epilepsy with variable foci (FPEVF). Identifiers: Orphanet 98820, MedGen C1858477, MONDO:0020310.

gnomAD v4.1: 6 of 1,613,682 alleles (0.00037%); highest among the groups gnomAD compares: East Asian, 0.0022%; no homozygotes.

Submissions (2):

GeneDx
Classification: Uncertain significance. Last evaluated: 2024-08-06. Review status: criteria provided, single submitter. Criteria: GeneDx Variant Classification Process June 2021. Collection method: clinical testing. Allele origin: germline. Affected: yes.
Comment: Identified in a patient with autism, however detailed clinical information was not provided (PMID: 37595579); Canonical splice site variant with an unclear effect on protein function; This variant is associated with the following publications: (PMID: 37595579, 31440721)

Labcorp Genetics (formerly Invitae), Labcorp
Classification: Likely pathogenic for Familial focal epilepsy with variable foci. Last evaluated: 2020-01-23. Review status: criteria provided, single submitter. Criteria: Invitae Variant Classification Sherloc (09022015). Collection method: clinical testing. Allele origin: germline.
Comment: This variant has not been reported in the literature in individuals with DEPDC5-related disease. This variant is not present in population databases (ExAC no frequency). This sequence change affects a donor splice site in intron 35 of the DEPDC5 gene. It is expected to disrupt RNA splicing and likely results in an absent or disrupted protein product. Algorithms developed to predict the effect of sequence changes on RNA splicing suggest that this variant may disrupt the consensus splice site, but this prediction has not been confirmed by published transcriptional studies. In summary, the currently available evidence indicates that the variant is pathogenic, but additional data are needed to prove that conclusively. Therefore, this variant has been classified as Likely Pathogenic. Donor and acceptor splice site variants typically lead to a loss of protein function (PMID: 16199547), and loss-of-function variants in DEPDC5 are known to be pathogenic (PMID: 23542697, 23542701).

Literature cited by the submitters: PubMed 16199547 (cited by Labcorp Genetics (formerly Invitae), Labcorp); PubMed 23542697 (cited by Labcorp Genetics (formerly Invitae), Labcorp); PubMed 23542701 (cited by Labcorp Genetics (formerly Invitae), Labcorp).